The following is an entry in ClinVar:

ClinVar aggregate classification (germline): Uncertain significance (1 of 4 stars; one submission).

gnomAD v4.1: 2 of 1,606,890 alleles (0.00012%); highest among the groups gnomAD compares: South Asian, 0.0011%; no homozygotes.

Submission:

Ambry Genetics
Classification: Uncertain significance. Last evaluated: 2023-09-01. Review status: criteria provided, single submitter. Criteria: Ambry Variant Classification Scheme 2023. Collection method: clinical testing. Allele origin: germline.
Comment: The c.128+6A>T intronic alteration consists of a A to T substitution 6 nucleotides after exon 2 (coding exon 1) of the H3F3A gene. Based on insufficient or conflicting evidence, the clinical significance of this alteration remains unclear.

NM_002107.7(H3-3A):c.128+6A>T

Gene: H3-3A (H3.3 histone A; plus strand). Cytogenetic location: 1q42.12.
Variant type: single nucleotide variant.
Coding change: c.128+6A>T on transcript NM_002107.7 (MANE Select); 6 bases into the intron after coding-DNA position 128, A replaced by T.
Molecular consequence: intron variant.
Genome position (GRCh38, 1-based): chr1:226,064,485, A>T. VCF-style: chr1-226064485-A-T. GRCh37 (hg19) VCF-style: chr1-226252186-A-T.
Other names: c.128+6A>T (NM_001379043.1, NM_001379046.1, NM_001379045.1 and 1 more transcripts).
Identifiers: ClinVar variation 2617647 (VCV002617647.2), dbSNP rs1160997619, ClinGen allele CA2582342436.